The following is an entry in ClinVar:

NM_000540.3(RYR1):c.7771C>G (p.Arg2591Gly)

Gene: RYR1 (ryanodine receptor 1; plus strand). Cytogenetic location: 19q13.2.
Variant type: single nucleotide variant.
Coding change: c.7771C>G on transcript NM_000540.3 (MANE Select); coding-DNA position 7771, C replaced by G.
Protein change: p.Arg2591Gly; replaces arginine 2591 with glycine.
Molecular consequence: missense variant.
Genome position (GRCh38, 1-based): chr19:38,502,663, C>G. VCF-style: chr19-38502663-C-G. GRCh37 (hg19) VCF-style: chr19-38993303-C-G.
Other names: NM_000540.2(RYR1):c.7771C>G; c.7771C>G, p.Arg2591Gly (NM_001042723.2); short protein forms R2591G.
Identifiers: ClinVar variation 93291 (VCV000093291.17), dbSNP rs193922822, ClinGen allele CA024847.

ClinVar aggregate classification (germline): Uncertain significance. Review status: reviewed by expert panel (3 of 4 stars). 7 submissions from 7 submitters: Uncertain significance (1). 6 of the submissions do not count toward it. Last evaluated 2025-08-01.

Conditions:
RYR1-related disorder. Also called: RYR1-related disorders; RYR1-related condition. Identifiers: MedGen CN239331.
Malignant hyperthermia of anesthesia. Also called: Anesthesic-triggered malignant hyperthermia. Identifiers: Orphanet 423, MedGen C0024591, MONDO:0018493, HP:0034733.
Malignant hyperthermia, susceptibility to, 1 (MHS1). Also called: Malignant hyperthermia suceptibility 1; Anesthesia related hyperthermia; Malignant hyperpyrexia; Fulminating hyperpyrexia; Pharmacogenic myopathy; RYR1-Related Malignant Hyperthermia Susceptibility. Identifiers: Orphanet 423, MedGen C2930980, MONDO:0007783, OMIM 145600.

Allele frequency attached by ClinVar (database versions not stated): TOPMed 0.00001; gnomAD 0.00003 and 0.00002; gnomAD exomes 0.00001.
gnomAD v4.1: 5 of 1,611,010 alleles (0.00031%); highest among the groups gnomAD compares: African/African-American, 0.004%; no homozygotes.

Submissions (7):

ClinGen Malignant Hyperthermia Susceptibility Variant Curation Expert Panel, ClinGen
Classification: Uncertain significance for Malignant hyperthermia of anesthesia. Last evaluated: 2025-08-01. Review status: reviewed by expert panel. Criteria: ClinGen MHS ACMG Specifications V2. Collection method: curation. Allele origin: germline. Inheritance: Autosomal dominant inheritance.
Comment: This pathogenicity assessment is relevant only for malignant hyperthermia susceptibility (MHS) inherited in an autosomal dominant pattern. Variants in RYR1 can also cause other myopathies inherited in an autosomal dominant pattern or in an autosomal recessive pattern. Some of these disorders may predispose individuals to malignant hyperthermia. RYR1 variants may also contribute to a malignant hyperthermia reaction in combination with other genetic and non-genetic factors and the clinician needs to consider such factors in making management decisions. This sequence variant predicts a substitution of arginine with glycine at codon 2591 of the RYR1 protein, p.(Arg2591Gly). The maximum allele frequency for this variant among the six major gnomAD populations is AFR: 0.00004, a frequency consistent with pathogenicity for MHS. To our knowledge, this variant has not been reported in any individuals with a clear personal or family history of an MH episode and a positive in vitro contracture test (IVCT) or caffeine halothane contracture test (CHCT) result (PMID:16835904, unclear MH history). No functional studies were identified for this variant. This variant does not reside in a hotspot for pathogenic variants that contribute to MHS. A REVEL score of 0.642 supports neither a pathogenic nor a benign status for this variant. This variant has been classified as a Variant of Unknown Significance. No criteria implemented.

All of Us Research Program, National Institutes of Health
Classification: Uncertain significance for Malignant hyperthermia, susceptibility to, 1. Last evaluated: 2023-12-01. Review status: criteria provided, single submitter. Criteria: ACMG Guidelines, 2015. Collection method: clinical testing. Allele origin: germline. Inheritance: Autosomal dominant inheritance. Observed: 2 variant alleles, 2 heterozygotes. Not counted in ClinVar's aggregate classification.
Comment: This missense variant replaces arginine with glycine at codon 2591 of the RYR1 protein. Computational prediction is inconclusive regarding the impact of this variant on protein structure and function (internally defined REVEL score threshold 0.5 < inconclusive < 0.7, PMID: 27666373). To our knowledge, functional studies have not been reported for this variant. This variant has been reported in one individuals affected with malignant hyperthermia (PMID: 16835904). This variant has been identified in 3/281112 chromosomes in the general population by the Genome Aggregation Database (gnomAD). The available evidence is insufficient to determine the role of this variant in disease conclusively. Therefore, this variant is classified as a Variant of Uncertain Significance.

This study involves interpretation of variants in research participants for the purpose of population health screening. Participant phenotype was not available at the time of variant classification. Additional details can be found in publication PMID: 35346344, PMCID: PMC8962531

Labcorp Genetics (formerly Invitae), Labcorp
Classification: Likely pathogenic for RYR1-related disorder. Last evaluated: 2022-06-10. Review status: criteria provided, single submitter. Criteria: Invitae Variant Classification Sherloc (09022015). Collection method: clinical testing. Allele origin: germline. Not counted in ClinVar's aggregate classification.
Comment: In summary, the currently available evidence indicates that the variant is pathogenic, but additional data are needed to prove that conclusively. Therefore, this variant has been classified as Likely Pathogenic. Advanced modeling of protein sequence and biophysical properties (such as structural, functional, and spatial information, amino acid conservation, physicochemical variation, residue mobility, and thermodynamic stability) performed at Invitae indicates that this missense variant is expected to disrupt RYR1 protein function. ClinVar contains an entry for this variant (Variation ID: 93291). This missense change has been observed in individual(s) with autosomal dominant malignant hyperthermia (PMID: 16835904). This variant is present in population databases (rs193922822, gnomAD 0.004%). This sequence change replaces arginine, which is basic and polar, with glycine, which is neutral and non-polar, at codon 2591 of the RYR1 protein (p.Arg2591Gly).

Revvity Omics, Revvity
Classification: Uncertain significance. Last evaluated: 2019-03-15. Review status: criteria provided, single submitter. Criteria: ACMG Guidelines, 2015. Collection method: clinical testing. Allele origin: germline. Not counted in ClinVar's aggregate classification.

PreventionGenetics, part of Exact Sciences
Classification: Uncertain significance. Last evaluated: 2018-09-25. Review status: criteria provided, single submitter. Criteria: ACMG Guidelines, 2015. Collection method: clinical testing. Allele origin: germline. Not counted in ClinVar's aggregate classification.

Eurofins Ntd Llc (ga)
Classification: Uncertain significance. Last evaluated: 2013-08-09. Review status: criteria provided, single submitter. Criteria: EGL Classification Definitions 2015. Collection method: clinical testing. Allele origin: germline. Observed: 1 variant allele, 1 heterozygote. Not counted in ClinVar's aggregate classification.

RYR1 database
No classification provided. Review status: no classification provided. Collection method: not provided. Allele origin: unknown. Not counted in ClinVar's aggregate classification.

Literature cited by the submitters: PubMed 16835904 (cited by 3 submitters).